The following is an entry in ClinVar:

ClinVar aggregate classification (germline): Pathogenic/Likely pathogenic. Review status: criteria provided, multiple submitters, no conflicts (2 of 4 stars). 4 submissions from 4 submitters: Pathogenic (1); Likely pathogenic (3). Last evaluated 2026-01-19.

Conditions:
Mucopolysaccharidosis, MPS-III-A (MPS3A). Also called: MPS III A; Mucopolysaccharidosis type IIIA (Sanfilippo A); HEPARAN SULFATE SULFATASE DEFICIENCY; SANFILIPPO SYNDROME A; SULFAMIDASE DEFICIENCY; Mucopolysaccharidosis, type IIIA. Identifiers: Orphanet 581, Orphanet 79269, MedGen C0086647, MONDO:0009655, OMIM 252900.

Allele frequency attached by ClinVar (database versions not stated): TOPMed below 0.00001.

Submissions (4):

Natera, Inc.
Classification: Likely pathogenic for Mucopolysaccharidosis type IIIA. Last evaluated: 2026-01-19. Review status: criteria provided, single submitter. Criteria: Natera Variant Classification Schema (03/2026). Collection method: clinical testing. Allele origin: germline.
Comment: The c.466A>T variant in SGSH is a nonsense variant predicted to introduce a stop codon at amino acid 156. This variant is expected to result in nonsense mediated decay, truncation, or a dysfunctional protein product. This variant is rare in the general population with a frequency below the threshold expected for the associated phenotype(s). Given the available evidence, this variant is classified as Likely Pathogenic.

Labcorp Genetics (formerly Invitae), Labcorp
Classification: Pathogenic for Mucopolysaccharidosis, MPS-III-A. Last evaluated: 2025-05-05. Review status: criteria provided, single submitter. Criteria: Invitae Variant Classification Sherloc (09022015). Collection method: clinical testing. Allele origin: germline.
Comment: This sequence change creates a premature translational stop signal (p.Lys156*) in the SGSH gene. It is expected to result in an absent or disrupted protein product. Loss-of-function variants in SGSH are known to be pathogenic (PMID: 11182930, 21204211, 22976768). This variant is not present in population databases (gnomAD no frequency). This variant has not been reported in the literature in individuals affected with SGSH-related conditions. ClinVar contains an entry for this variant (Variation ID: 1075867). For these reasons, this variant has been classified as Pathogenic.

Baylor Genetics
Classification: Likely pathogenic for Mucopolysaccharidosis, MPS-III-A. Last evaluated: 2024-02-10. Review status: criteria provided, single submitter. Criteria: ACMG Guidelines, 2015. Collection method: clinical testing. Allele origin: unknown.

Fulgent Genetics
Classification: Likely pathogenic for Mucopolysaccharidosis, MPS-III-A. Last evaluated: 2024-01-23. Review status: criteria provided, single submitter. Criteria: ACMG Guidelines, 2015. Collection method: clinical testing. Allele origin: germline.

Literature cited by the submitters: PubMed 11182930 (cited by Labcorp Genetics (formerly Invitae), Labcorp); PubMed 21204211 (cited by Labcorp Genetics (formerly Invitae), Labcorp); PubMed 22976768 (cited by Labcorp Genetics (formerly Invitae), Labcorp).

NM_000199.5(SGSH):c.466A>T (p.Lys156Ter)

Gene: SGSH (N-sulfoglucosamine sulfohydrolase; minus strand). Cytogenetic location: 17q25.3.
Variant type: single nucleotide variant.
Coding change: c.466A>T on transcript NM_000199.5 (MANE Select); coding-DNA position 466, A replaced by T.
Protein change: p.Lys156Ter; replaces lysine 156 with a stop codon.
Molecular consequence: nonsense. On other transcripts: non-coding transcript variant (1).
Genome position (GRCh38, 1-based): chr17:80,214,655, T>A on the plus strand (A>T on the coding strand, the complement: SGSH is on the minus strand). VCF-style: chr17-80214655-T-A. GRCh37 (hg19) VCF-style: chr17-78188454-T-A.
Other names: c.466A>T, p.Lys156Ter (NM_001352921.3, NM_001352922.2); c.466A>T (NM_000199.4); short protein forms K156*.
Identifiers: ClinVar variation 1075867 (VCV001075867.11), dbSNP rs2041818115, ClinGen allele CA401362665.